The following is an entry in ClinVar:

ClinVar aggregate classification (germline): Pathogenic/Likely pathogenic. Review status: criteria provided, multiple submitters, no conflicts (2 of 4 stars). 2 submissions from 2 submitters: Pathogenic (1); Likely pathogenic (1). Last evaluated 2025-06-12.

Conditions:
DDX3X-Related Neurodevelopmental Disorder. Identifiers: MedGen CN381519.

Submissions (2):

Division of Genetic & Genomic Pathology, Hong Kong Children's Hospital
Classification: Likely pathogenic for DDX3X-Related Neurodevelopmental Disorder. Last evaluated: 2025-06-12. Review status: criteria provided, single submitter. Criteria: ACMG Guidelines, 2015. Collection method: clinical testing. Allele origin: germline. Affected: yes.
Comment: DDX3X c.338_339del is a 2bp deletion located in exon 5 (out of 17 exons) in DDX3X gene. The deletion is predicted to lead to frameshift and a subsequent premature termination codon. It is predicted to cause loss of normal protein function either by protein truncation or nonsense-mediated mRNA decay, and DDX3X is curated as a gene with sufficient evidence for haploinsufficiency in ClinGen (CCID: 006981). This variant is absent in population control databases (gnomAD v4.1.0 and v2.1.1). It has been deposited as pathogenic in ClinVar by a single submitter (Accession: VCV003336878.1). For these reasons, the variant is classified as likely pathogenic.

Clinical Genetics Laboratory, Skane University Hospital Lund
Classification: Pathogenic. Last evaluated: 2022-05-27. Review status: criteria provided, single submitter. Criteria: ACMG Guidelines, 2015. Collection method: clinical testing. Allele origin: germline. Affected: yes.

NM_001356.5(DDX3X):c.338_339del (p.Arg113fs)

Gene: DDX3X (DEAD-box helicase 3 X-linked; plus strand). Cytogenetic location: Xp11.4.
Variant type: Deletion.
Coding change: c.338_339del on transcript NM_001356.5 (MANE Select); coding-DNA positions 338 to 339, 2 bases deleted (GA; older notation c.338_339delGA).
Protein change: p.Arg113fs; shifts the reading frame from arginine 113.
Molecular consequence: frameshift variant. On other transcripts: 5 prime UTR variant (1), non-coding transcript variant (1).
Genome position (GRCh38, 1-based): chrX:41,342,548-41,342,549, GA deleted; deleting any 2 consecutive bases within chrX:41,342,547-41,342,549 gives the same sequence; the c. name uses the placement nearest the transcript's 3' end. VCF-style (leftmost placement, unchanged base first): chrX-41342546-CAG-C. GRCh37 (hg19) VCF-style: chrX-41201799-CAG-C.
Other names: c.338_339del, p.Arg113fs (NM_001193416.3); c.290_291del, p.Arg97fs (NM_001193417.3); c.-221_-220del (NM_001363819.1); short protein forms R113fs, R97fs.
Identifiers: ClinVar variation 3336878 (VCV003336878.2).
Genomic context (GRCh38, chrX:41,342,546, plus strand): 5'-GCTGTTCAGGTTTGATGATCGTGGACGGAGTGATTACGATGGCATTGGCAGCCGTGGTGA[CAG>C]AAGTGGCTTTGGCAAATTTGAACGTGGTGGAAACAGTCGCTGGTGTGACAAATCAGATGA-3'